The following is an entry in ClinVar:

NM_001002294.3(FMO3):c.539G>T (p.Gly180Val)

Genes: FMO3 (flavin containing dimethylaniline monoxygenase 3; plus strand), LOC126805916 (BRD4-independent group 4 enhancer GRCh37_chr1:171076844-171078043; plus strand). Cytogenetic location: 1q24.3.
Variant type: single nucleotide variant.
Coding change: c.539G>T on transcript NM_001002294.3 (MANE Select); coding-DNA position 539, G replaced by T.
Protein change: p.Gly180Val; replaces glycine 180 with valine.
Molecular consequence: missense variant.
Genome position (GRCh38, 1-based): chr1:171,108,133, G>T. VCF-style: chr1-171108133-G-T. GRCh37 (hg19) VCF-style: chr1-171077274-G-T.
Other names: c.479G>T, p.Gly160Val (NM_001319173.2); c.350G>T, p.Gly117Val (NM_001319174.2); c.539G>T, p.Gly180Val (NM_006894.6); short protein forms G160V, G180V, G117V.
Identifiers: ClinVar variation 876844 (VCV000876844.9), dbSNP rs75904274, ClinGen allele CA1240569.

ClinVar aggregate classification (germline): Benign/Likely benign. Review status: criteria provided, multiple submitters, no conflicts (2 of 4 stars). 4 submissions from 4 submitters: Benign (3); Likely benign (1). Last evaluated 2026-02-02.

Conditions:
Trimethylaminuria (TMAU). Also called: FISH-ODOR SYNDROME; Fish malodor syndrome; Stale fish syndrome; TMAuria; Primary Trimethylaminuria. Identifiers: MedGen C0342739, MONDO:0011182, OMIM 602079, HP:0003614. Disease mechanism: loss of function.

Allele frequency attached by ClinVar (database versions not stated): 1000 Genomes Project 30x 0.00687; 1000 Genomes Project 0.00719; gnomAD 0.01129 and 0.01197; gnomAD exomes 0.01264; ESP Exome Variant Server 0.01269; ExAC 0.01292; TOPMed 0.01308.
gnomAD v4.1: 25,233 of 1,613,814 alleles (1.6%); highest among the groups gnomAD compares: Middle Eastern, 2%; 210 homozygotes.

Submissions (4):

Labcorp Genetics (formerly Invitae), Labcorp
Classification: Benign. Last evaluated: 2026-02-02. Review status: criteria provided, single submitter. Criteria: Invitae Variant Classification Sherloc (09022015). Collection method: clinical testing. Allele origin: germline.

Blueprint Genetics
Classification: Likely benign. Last evaluated: 2024-11-25. Review status: criteria provided, single submitter. Criteria: ACMG Guidelines, 2015. Collection method: clinical testing. Allele origin: germline.

Illumina Laboratory Services, Illumina
Classification: Benign for Trimethylaminuria. Last evaluated: 2017-04-27. Review status: criteria provided, single submitter. Criteria: ICSL Variant Classification Criteria 13 December 2019. Collection method: clinical testing. Allele origin: germline.
Comment: This variant was observed as part of a predisposition screen in an ostensibly healthy population. A literature search was performed for the gene, cDNA change, and amino acid change (where applicable). Publications were found based on this search. The evidence from the literature, in combination with allele frequency data from public databases where available, was sufficient to rule this variant out of causing disease. Therefore, this variant is classified as benign.

Breakthrough Genomics
Classification: Benign. Review status: criteria provided, single submitter. Criteria: ACMG Guidelines, 2015. Collection method: not provided. Allele origin: germline. Inheritance: Autosomal recessive inheritance. Affected: yes.

Literature cited by the submitters: PubMed 23791655 (cited by Illumina Laboratory Services, Illumina); PubMed 12938085 (cited by Illumina Laboratory Services, Illumina); PubMed 16600650 (cited by Illumina Laboratory Services, Illumina); PubMed 23567996 (cited by Illumina Laboratory Services, Illumina); PubMed 11191884 (cited by Illumina Laboratory Services, Illumina).